The following is an entry in ClinVar:

ClinVar aggregate classification (germline): Uncertain significance (1 of 4 stars; one submission).

Conditions:
Hereditary cancer-predisposing syndrome. Also called: Neoplastic Syndromes, Hereditary; Tumor predisposition; Hereditary Cancer Syndrome; Hereditary neoplastic syndrome. Identifiers: Orphanet 140162, MedGen C0027672, MeSH D009386, MONDO:0015356.

gnomAD v4.1: 1 of 1,614,168 alleles (0.000062%); highest among the groups gnomAD compares: Non-Finnish European, 0.000085%; no homozygotes.

Submission:

Ambry Genetics
Classification: Uncertain significance for Hereditary cancer-predisposing syndrome. Last evaluated: 2026-03-05. Review status: criteria provided, single submitter. Criteria: Ambry Variant Classification Scheme 2023. Collection method: clinical testing. Allele origin: germline.
Comment: The p.Q1313E variant (also known as c.3937C>G), located in coding exon 9 of the BRCA1 gene, results from a C to G substitution at nucleotide position 3937. The glutamine at codon 1313 is replaced by glutamic acid, an amino acid with highly similar properties. This amino acid position is not well conserved in available vertebrate species. In addition, the in silico prediction for this alteration is inconclusive. Based on the available evidence, the clinical significance of this variant remains unclear.

NM_007294.4(BRCA1):c.3937C>G (p.Gln1313Glu)

Genes: BRCA1 (BRCA1 DNA repair associated; minus strand), LOC126862571 (BRD4-independent group 4 enhancer GRCh37_chr17:41243136-41244335; plus strand). Cytogenetic location: 17q21.31.
Variant type: single nucleotide variant.
Coding change: c.3937C>G on transcript NM_007294.4 (MANE Select); coding-DNA position 3937, C replaced by G.
Protein change: p.Gln1313Glu; replaces glutamine 1313 with glutamic acid.
Molecular consequence: missense variant. On other transcripts: intron variant (135).
Genome position (GRCh38, 1-based): chr17:43,091,594, G>C on the plus strand (C>G on the coding strand, the complement: BRCA1 is on the minus strand). VCF-style: chr17-43091594-G-C. GRCh37 (hg19) VCF-style: chr17-41243611-G-C.
Other names: c.3937C>G, p.Gln1313Glu (NM_001407594.1, NM_001407596.1, NM_001407597.1 and 30 more transcripts); c.3934C>G, p.Gln1312Glu (NM_001407610.1, NM_001407611.1, NM_001407612.1 and 22 more transcripts); c.3928C>G, p.Gln1310Glu (NM_001407646.1, NM_001407647.1); c.3814C>G, p.Gln1272Glu (NM_001407648.1, NM_001407664.1, NM_001407665.1 and 19 more transcripts); c.3811C>G, p.Gln1271Glu (NM_001407649.1, NM_001407670.1, NM_001407671.1 and 11 more transcripts); c.3859C>G, p.Gln1287Glu (NM_001407653.1, NM_001407654.1, NM_001407655.1 and 4 more transcripts); c.3856C>G, p.Gln1286Glu (NM_001407659.1, NM_001407660.1, NM_001407661.1 and 1 more transcripts); c.3796C>G, p.Gln1266Glu (NM_001407692.1, NM_001407694.1, NM_001407695.1 and 29 more transcripts); and 41 more; short protein forms Q1017E, Q1186E, Q1225E, Q1245E, Q1145E, Q1185E, Q1202E, Q1265E.
Identifiers: ClinVar variation 4826627 (VCV004826627.1).